The following is an entry in ClinVar:

ClinVar aggregate classification (germline): Likely benign (1 of 4 stars; one submission).

gnomAD v4.1: 1 of 1,614,210 alleles (0.000062%); no homozygotes.

Submission:

Mayo Clinic Laboratories, Mayo Clinic
Classification: Likely benign. Last evaluated: 2025-04-09. Review status: criteria provided, single submitter. Criteria: ACMG Guidelines, 2015. Collection method: clinical testing. Allele origin: germline. Observed: 2 variant alleles.
Comment: BP4, BP7

NM_025136.4(OPA3):c.126C>T (p.Cys42=)

Genes: OPA3 (outer mitochondrial membrane lipid metabolism regulator OPA3; minus strand), OPA3-RTN2 (OPA3-RTN2 readthrough; minus strand). Cytogenetic location: 19q13.32.
Variant type: single nucleotide variant.
Coding change: c.126C>T on transcript NM_025136.4 (MANE Select); coding-DNA position 126, C replaced by T.
Protein change: p.Cys42=; no amino-acid change (cysteine 42 retained).
Molecular consequence: synonymous variant.
Genome position (GRCh38, 1-based): chr19:45,584,639, G>A on the plus strand (C>T on the coding strand, the complement: OPA3 is on the minus strand). VCF-style: chr19-45584639-G-A. GRCh37 (hg19) VCF-style: chr19-46087897-G-A.
Other names: p.Cys42=; c.126C>T, p.Cys42= (NM_001017989.3).
Identifiers: ClinVar variation 4684380 (VCV004684380.1).